The following is an entry in ClinVar:

NM_000482.4(APOA4):c.572A>G (p.Asp191Gly)

Gene: APOA4 (apolipoprotein A4; minus strand). Cytogenetic location: 11q23.3.
Variant type: single nucleotide variant.
Coding change: c.572A>G on transcript NM_000482.4 (MANE Select); coding-DNA position 572, A replaced by G.
Protein change: p.Asp191Gly; replaces aspartic acid 191 with glycine.
Molecular consequence: missense variant.
Genome position (GRCh38, 1-based): chr11:116,821,486, T>C on the plus strand (A>G on the coding strand, the complement: APOA4 is on the minus strand). VCF-style: chr11-116821486-T-C. GRCh37 (hg19) VCF-style: chr11-116692202-T-C.
Other names: short protein forms D191G.
Identifiers: ClinVar variation 3617900 (VCV003617900.2).

ClinVar aggregate classification (germline): Uncertain significance (1 of 4 stars; one submission).

gnomAD v4.1: 2 of 1,614,050 alleles (0.00012%); highest among the groups gnomAD compares: Non-Finnish European, 0.00017%; no homozygotes.

Submission:

Labcorp Genetics (formerly Invitae), Labcorp
Classification: Uncertain significance. Last evaluated: 2024-11-09. Review status: criteria provided, single submitter. Criteria: Invitae Variant Classification Sherloc (09022015). Collection method: clinical testing. Allele origin: germline.
Comment: This sequence change replaces aspartic acid, which is acidic and polar, with glycine, which is neutral and non-polar, at codon 191 of the APOA4 protein (p.Asp191Gly). This variant is not present in population databases (gnomAD no frequency). This variant has not been reported in the literature in individuals affected with APOA4-related conditions. Invitae Evidence Modeling of protein sequence and biophysical properties (such as structural, functional, and spatial information, amino acid conservation, physicochemical variation, residue mobility, and thermodynamic stability) indicates that this missense variant is not expected to disrupt APOA4 protein function with a negative predictive value of 80%. In summary, the available evidence is currently insufficient to determine the role of this variant in disease. Therefore, it has been classified as a Variant of Uncertain Significance.